The following is an entry in ClinVar:

NM_015027.4(PDXDC1):c.934A>G (p.Thr312Ala)

Gene: PDXDC1 (pyridoxal dependent decarboxylase domain containing 1). Cytogenetic location: 16p13.11.
Variant type: single nucleotide variant.
Coding change: c.934A>G on transcript NM_015027.4 (MANE Select); coding-DNA position 934, A replaced by G.
Protein change: p.Thr312Ala; replaces threonine 312 with alanine.
Molecular consequence: missense variant.
Genome position (GRCh38, 1-based): chr16:15,017,393, A>G. VCF-style: chr16-15017393-A-G. GRCh37 (hg19) VCF-style: chr16-15111250-A-G.
Other names: c.850A>G, p.Thr284Ala (NM_001285445.2); c.889A>G, p.Thr297Ala (NM_001285447.1); c.661A>G, p.Thr221Ala (NM_001285448.1); c.934A>G, p.Thr312Ala (NM_001285449.2); c.865A>G, p.Thr289Ala (NM_001285450.2); c.931A>G, p.Thr311Ala (NM_001324019.2, NM_001324020.2); c.853A>G, p.Thr285Ala (NM_001324021.2, NM_001285444.2); short protein forms T221A, T284A, T285A, T289A, T297A, T311A, T312A.
Identifiers: ClinVar variation 2646246 (VCV002646246.24), dbSNP rs2544326623, ClinGen allele CA394832562.

ClinVar aggregate classification (germline): Uncertain significance (1 of 4 stars; one submission).

Allele frequency attached by ClinVar (database versions not stated): gnomAD exomes below 0.00001.
gnomAD v4.1: 1 of 1,614,236 alleles (0.000062%); highest among the groups gnomAD compares: Non-Finnish European, 0.000085%; no homozygotes.

Submission:

CeGaT Center for Human Genetics Tuebingen
Classification: Uncertain significance. Last evaluated: 2022-04-01. Review status: criteria provided, single submitter. Criteria: CeGaT Center For Human Genetics Tuebingen Variant Classification Criteria Version 2. Collection method: clinical testing. Allele origin: germline. Affected: yes. Observed: 1 variant allele.
Comment: PDXDC1: PM2